The following is an entry in ClinVar:

NM_022455.5(NSD1):c.3546C>G (p.Asn1182Lys)

Gene: NSD1 (nuclear receptor binding SET domain protein 1; plus strand). Cytogenetic location: 5q35.3.
Variant type: single nucleotide variant.
Coding change: c.3546C>G on transcript NM_022455.5 (MANE Select); coding-DNA position 3546, C replaced by G.
Protein change: p.Asn1182Lys; replaces asparagine 1182 with lysine.
Molecular consequence: missense variant.
Genome position (GRCh38, 1-based): chr5:177,211,945, C>G. VCF-style: chr5-177211945-C-G. GRCh37 (hg19) VCF-style: chr5-176638946-C-G.
Other names: c.2673C>G, p.Asn891Lys (NM_001365684.2, NM_001409306.1, NM_001409307.1 and 3 more transcripts); c.3546C>G, p.Asn1182Lys (NM_001409301.1, NM_001409302.1, NM_001409303.1); c.3126C>G, p.Asn1042Lys (NM_001409304.1); c.2793C>G, p.Asn931Lys (NM_001409305.1); short protein forms N1182K, N913K, N891K, N931K, N1042K.
Identifiers: ClinVar variation 624118 (VCV000624118.45), dbSNP rs1562213440, ClinGen allele CA16040432.

ClinVar aggregate classification (germline): Uncertain significance. Review status: criteria provided, multiple submitters, no conflicts (2 of 4 stars). 2 submissions from 2 submitters: Uncertain significance (2). Last evaluated 2024-10-07.

Submissions (2):

Labcorp Genetics (formerly Invitae), Labcorp
Classification: Uncertain significance. Last evaluated: 2024-10-07. Review status: criteria provided, single submitter. Criteria: Invitae Variant Classification Sherloc (09022015). Collection method: clinical testing. Allele origin: germline.
Comment: This sequence change replaces asparagine, which is neutral and polar, with lysine, which is basic and polar, at codon 1182 of the NSD1 protein (p.Asn1182Lys). This variant is not present in population databases (gnomAD no frequency). This variant has not been reported in the literature in individuals affected with NSD1-related conditions. ClinVar contains an entry for this variant (Variation ID: 624118). Invitae Evidence Modeling of protein sequence and biophysical properties (such as structural, functional, and spatial information, amino acid conservation, physicochemical variation, residue mobility, and thermodynamic stability) indicates that this missense variant is not expected to disrupt NSD1 protein function with a negative predictive value of 95%. In summary, the available evidence is currently insufficient to determine the role of this variant in disease. Therefore, it has been classified as a Variant of Uncertain Significance.

CeGaT Center for Human Genetics Tuebingen
Classification: Uncertain significance. Last evaluated: 2018-04-01. Review status: criteria provided, single submitter. Criteria: CeGaT Center For Human Genetics Tuebingen Variant Classification Criteria Version 2. Collection method: clinical testing. Allele origin: germline. Affected: yes. Observed: 1 variant allele.